The following is an entry in ClinVar:

NM_001991.5(EZH1):c.1108G>T (p.Ala370Ser)

Gene: EZH1 (enhancer of zeste 1 polycomb repressive complex 2 subunit; minus strand). Cytogenetic location: 17q21.2.
Variant type: single nucleotide variant.
Coding change: c.1108G>T on transcript NM_001991.5 (MANE Select); coding-DNA position 1108, G replaced by T.
Protein change: p.Ala370Ser; replaces alanine 370 with serine.
Molecular consequence: missense variant.
Genome position (GRCh38, 1-based): chr17:42,713,305, C>A on the plus strand (G>T on the coding strand, the complement: EZH1 is on the minus strand). VCF-style: chr17-42713305-C-A. GRCh37 (hg19) VCF-style: chr17-40865323-C-A.
Other names: c.1126G>T, p.Ala376Ser (NM_001321079.2); c.1081G>T, p.Ala361Ser (NM_001321081.2); c.988G>T, p.Ala330Ser (NM_001321082.2); short protein forms A330S, A361S, A370S, A376S.
Identifiers: ClinVar variation 5017998 (VCV005017998.1).

ClinVar aggregate classification (germline): Uncertain significance (1 of 4 stars; one submission).

Submission:

GeneDx
Classification: Uncertain significance. Last evaluated: 2026-03-31. Review status: criteria provided, single submitter. Criteria: GeneDx Variant Classification Process June 2021. Collection method: clinical testing. Allele origin: germline.
Comment: Not observed at significant frequency in large population cohorts (gnomAD); In silico analysis suggests that this missense variant does not alter protein structure/function; Has not been previously published as pathogenic or benign to our knowledge